The following is an entry in ClinVar:

NM_007294.4(BRCA1):c.1969C>A (p.Gln657Lys)

Gene: BRCA1 (BRCA1 DNA repair associated; minus strand). Cytogenetic location: 17q21.31.
Variant type: single nucleotide variant.
Coding change: c.1969C>A on transcript NM_007294.4 (MANE Select); coding-DNA position 1969, C replaced by A.
Protein change: p.Gln657Lys; replaces glutamine 657 with lysine.
Molecular consequence: missense variant. On other transcripts: intron variant (137).
Genome position (GRCh38, 1-based): chr17:43,093,562, G>T on the plus strand (C>A on the coding strand, the complement: BRCA1 is on the minus strand). VCF-style: chr17-43093562-G-T. GRCh37 (hg19) VCF-style: chr17-41245579-G-T.
Other names: c.1966C>A, p.Gln656Lys (NM_001407615.1, NM_001407634.1, NM_001407635.1 and 22 more transcripts); c.1969C>A, p.Gln657Lys (NM_001407616.1, NM_001407617.1, NM_001407618.1 and 30 more transcripts); c.1891C>A, p.Gln631Lys (NM_001407656.1, NM_001407657.1, NM_001407658.1 and 4 more transcripts); c.1888C>A, p.Gln630Lys (NM_001407659.1, NM_001407660.1, NM_001407661.1 and 1 more transcripts); c.1846C>A, p.Gln616Lys (NM_001407664.1, NM_001407665.1, NM_001407675.1 and 19 more transcripts); c.1828C>A, p.Gln610Lys (NM_001407695.1, NM_001407696.1, NM_001407697.1 and 29 more transcripts); c.1825C>A, p.Gln609Lys (NM_001407740.1, NM_001407741.1, NM_001407742.1 and 20 more transcripts); c.1756C>A, p.Gln586Lys (NM_001407571.1, NM_001407896.1, NM_001407897.1 and 9 more transcripts); and 40 more; short protein forms Q657K, Q610K, Q530K, Q546K, Q590K, Q568K, Q656K, Q361K.
Identifiers: ClinVar variation 531381 (VCV000531381.13), dbSNP rs397508926, ClinGen allele CA10598080.
Genomic context (GRCh38, chr17:43,093,562, plus strand): 5'-CAGTTGCAGGTTCTTTACCTTCCATGAGTTGTAGGTTTCTGCTGTGCCTGACTGGCATTT[G>T]GTTGTACTTTTTTTTCTTTATCTCTTCACTGCTAGAACAACTATCAATTTGCAATTCAGT-3'
Protein context (NP_009225.1, residues 647-667): SEEIKKKKYN[Gln657Lys]MPVRHSRNLQ

ClinVar aggregate classification (germline): Conflicting classifications of pathogenicity. Review status: criteria provided, conflicting classifications (1 of 4 stars). 3 submissions from 3 submitters: Uncertain significance (2); Likely benign (1). Last evaluated 2026-03-11.

Conditions:
Hereditary cancer-predisposing syndrome. Also called: Tumor predisposition; Hereditary Cancer Syndrome; Neoplastic Syndromes, Hereditary; Hereditary neoplastic syndrome. Identifiers: Orphanet 140162, MedGen C0027672, MeSH D009386, MONDO:0015356.
Hereditary breast ovarian cancer syndrome. Also called: Hereditary breast and/or ovarian cancer syndrome; Hereditary breast and ovarian cancer syndrome; Hereditary breast and ovarian cancer; Hereditary breast and ovarian cancer syndrome (HBOC); Breast and ovarian cancer; BRCA1- and BRCA2-Associated Hereditary Breast and Ovarian Cancer. Identifiers: Orphanet 145, MedGen C0677776, MeSH D061325, MONDO:0003582. Disease mechanism: loss of function.

Submissions (3):

Ambry Genetics
Classification: Uncertain significance for Hereditary cancer-predisposing syndrome. Last evaluated: 2026-03-11. Review status: criteria provided, single submitter. Criteria: Ambry Variant Classification Scheme 2023. Collection method: clinical testing. Allele origin: germline.
Comment: The p.Q657K variant (also known as c.1969C>A), located in coding exon 9 of the BRCA1 gene, results from a C to A substitution at nucleotide position 1969. The glutamine at codon 657 is replaced by lysine, an amino acid with similar properties. This amino acid position is well conserved in available vertebrate species. In addition, the in silico prediction for this alteration is inconclusive. Based on the available evidence, the clinical significance of this variant remains unclear.

Labcorp Genetics (formerly Invitae), Labcorp
Classification: Uncertain significance for Hereditary breast ovarian cancer syndrome. Last evaluated: 2025-11-19. Review status: criteria provided, single submitter. Criteria: Invitae Variant Classification Sherloc (09022015). Collection method: clinical testing. Allele origin: germline.
Comment: This sequence change replaces glutamine, which is neutral and polar, with lysine, which is basic and polar, at codon 657 of the BRCA1 protein (p.Gln657Lys). This variant is not present in population databases (gnomAD no frequency). This variant has not been reported in the literature in individuals affected with BRCA1-related conditions. ClinVar contains an entry for this variant (Variation ID: 531381). Invitae Evidence Modeling of protein sequence and biophysical properties (such as structural, functional, and spatial information, amino acid conservation, physicochemical variation, residue mobility, and thermodynamic stability) indicates that this missense variant is not expected to disrupt BRCA1 protein function with a negative predictive value of 80%. In summary, the available evidence is currently insufficient to determine the role of this variant in disease. Therefore, it has been classified as a Variant of Uncertain Significance.

University of Washington Department of Laboratory Medicine, University of Washington
Classification: Likely benign for Hereditary cancer-predisposing syndrome. Last evaluated: 2023-03-23. Review status: criteria provided, single submitter. Criteria: Dines et al. (Genet Med. 2020). Collection method: curation. Allele origin: germline.
Comment: Missense variant in a coldspot region where missense variants are very unlikely to be pathogenic (PMID:31911673).

BRCA1 coldspot (exon 11 using historical exon numbering). Reclassification based on statistical prior probability